The following is an entry in ClinVar:

ClinVar aggregate classification (germline): Likely benign. Review status: criteria provided, multiple submitters, no conflicts (2 of 4 stars). 2 submissions from 2 submitters: Likely benign (2). Last evaluated 2025-03-13.

Conditions:
Pheochromocytoma/paraganglioma syndrome 4. Also called: CAROTID BODY TUMORS AND MULTIPLE EXTRAADRENAL PHEOCHROMOCYTOMAS; PARAGANGLIOMA, FAMILIAL MALIGNANT; PARAGANGLIOMAS, HEREDITARY EXTRAADRENAL; PHEOCHROMOCYTOMA, FAMILIAL EXTRAADRENAL; Paragangliomas 4; SDHB-Related Hereditary Paraganglioma-Pheochromocytoma Syndrome (Paragangliomas 4). Identifiers: Orphanet 29072, MedGen C1861848, MONDO:0007273, OMIM 115310.
Pheochromocytoma. Also called: MAX-Related Hereditary Paraganglioma-Pheochromocytoma Syndrome. Identifiers: Orphanet 29072, MedGen C0031511, MONDO:0008233, OMIM 171300, HP:0002666.
Gastrointestinal stromal tumor. Also called: Gastrointestinal stroma tumor; Gastrointestinal stromal tumor, somatic. Identifiers: Orphanet 44890, MedGen C0238198, MeSH D046152, MONDO:0011719, OMIM 606764, HP:0100723.

Submissions (2):

Myriad Genetics, Inc.
Classification: Likely benign for Pheochromocytoma/paraganglioma syndrome 4. Last evaluated: 2025-03-13. Review status: criteria provided, single submitter. Criteria: Myriad Autosomal Dominant, Autosomal Recessive and X-Linked Classification Criteria (2023). Collection method: clinical testing. Allele origin: unknown.
Comment: This variant is considered likely benign. This variant is intronic and is not expected to impact mRNA splicing.

Labcorp Genetics (formerly Invitae), Labcorp
Classification: Likely benign for Gastrointestinal stromal tumor; Pheochromocytoma/paraganglioma syndrome 4; Pheochromocytoma. Last evaluated: 2024-08-22. Review status: criteria provided, single submitter. Criteria: Invitae Variant Classification Sherloc (09022015). Collection method: clinical testing. Allele origin: germline.

NM_003000.3(SDHB):c.642+8G>A

Gene: SDHB (succinate dehydrogenase complex iron sulfur subunit B; minus strand). Cytogenetic location: 1p36.13.
Variant type: single nucleotide variant.
Coding change: c.642+8G>A on transcript NM_003000.3 (MANE Select); 8 bases into the intron after coding-DNA position 642, G replaced by A.
Molecular consequence: intron variant.
Genome position (GRCh38, 1-based): chr1:17,023,965, C>T on the plus strand (G>A on the coding strand, the complement: SDHB is on the minus strand). VCF-style: chr1-17023965-C-T. GRCh37 (hg19) VCF-style: chr1-17350460-C-T.
Identifiers: ClinVar variation 2184673 (VCV002184673.5), dbSNP rs2525008496, ClinGen allele CA2580060631.
Genomic context (GRCh38, chr1:17,023,965, plus strand): 5'-TATTGTCCTCTTGGACTTCTGGATGCTTGAGTTTCAATTTCTCTTAAAGCAATTAAGGAG[C>T]ACCTCACCTGCATAAGAACTGCAGGCCCCAGATATTTGTCTCCGTTCCACCAGTAGCTGG-3'